The following is an entry in ClinVar:

ClinVar aggregate classification (germline): Uncertain significance (1 of 4 stars; one submission).

Conditions:
Familial sleep-related hypermotor epilepsy. Also called: Autosomal Dominant Sleep-Related Hypermotor (Hyperkinetic) Epilepsy. Identifiers: Orphanet 98784, MedGen C3696898, MONDO:0000030.

Submission:

Labcorp Genetics (formerly Invitae), Labcorp
Classification: Uncertain significance. Last evaluated: 2024-11-13. Review status: criteria provided, single submitter. Criteria: Invitae Variant Classification Sherloc (09022015). Collection method: clinical testing. Allele origin: germline.
Comment: This sequence change replaces arginine, which is basic and polar, with glycine, which is neutral and non-polar, at codon 91 of the CHRNB2 protein (p.Arg91Gly). This variant is not present in population databases (gnomAD no frequency). This variant has not been reported in the literature in individuals affected with CHRNB2-related conditions. Invitae Evidence Modeling of protein sequence and biophysical properties (such as structural, functional, and spatial information, amino acid conservation, physicochemical variation, residue mobility, and thermodynamic stability) has been performed for this missense variant. However, the output from this modeling did not meet the statistical confidence thresholds required to predict the impact of this variant on CHRNB2 protein function. In summary, the available evidence is currently insufficient to determine the role of this variant in disease. Therefore, it has been classified as a Variant of Uncertain Significance.

NM_000748.3(CHRNB2):c.271C>G (p.Arg91Gly)

Gene: CHRNB2 (cholinergic receptor nicotinic beta 2 subunit; plus strand). Cytogenetic location: 1q21.3.
Variant type: single nucleotide variant.
Coding change: c.271C>G on transcript NM_000748.3 (MANE Select); coding-DNA position 271, C replaced by G.
Protein change: p.Arg91Gly; replaces arginine 91 with glycine.
Molecular consequence: missense variant.
Genome position (GRCh38, 1-based): chr1:154,570,273, C>G. VCF-style: chr1-154570273-C-G. GRCh37 (hg19) VCF-style: chr1-154542749-C-G.
Other names: short protein forms R91G.
Identifiers: ClinVar variation 3684111 (VCV003684111.2).